The following is an entry in ClinVar:

ClinVar aggregate classification (germline): Uncertain significance (1 of 4 stars; one submission).

Conditions:
Hereditary cancer-predisposing syndrome. Also called: Tumor predisposition; Hereditary Cancer Syndrome; Hereditary neoplastic syndrome; Neoplastic Syndromes, Hereditary. Identifiers: Orphanet 140162, MedGen C0027672, MeSH D009386, MONDO:0015356.

Submission:

Labcorp Genetics (formerly Invitae), Labcorp
Classification: Uncertain significance for Hereditary cancer-predisposing syndrome. Last evaluated: 2022-11-10. Review status: criteria provided, single submitter. Criteria: Invitae Variant Classification Sherloc (09022015). Collection method: clinical testing. Allele origin: germline.
Comment: This sequence change falls in intron 6 of the RAD50 gene. It does not directly change the encoded amino acid sequence of the RAD50 protein. This variant is not present in population databases (gnomAD no frequency). This variant has not been reported in the literature in individuals affected with RAD50-related conditions. Algorithms developed to predict the effect of sequence changes on RNA splicing suggest that this variant may disrupt the consensus splice site. In summary, the available evidence is currently insufficient to determine the role of this variant in disease. Therefore, it has been classified as a Variant of Uncertain Significance.

NM_005732.4(RAD50):c.886-16T>G

Gene: RAD50 (RAD50 double strand break repair protein; plus strand). Cytogenetic location: 5q31.1.
Variant type: single nucleotide variant.
Coding change: c.886-16T>G on transcript NM_005732.4 (MANE Select); 16 bases into the intron before coding-DNA position 886, T replaced by G.
Molecular consequence: intron variant.
Genome position (GRCh38, 1-based): chr5:132,587,908, T>G. VCF-style: chr5-132587908-T-G. GRCh37 (hg19) VCF-style: chr5-131923600-T-G.
Identifiers: ClinVar variation 2813546 (VCV002813546.3), dbSNP rs2149840554, ClinGen allele CA2739275034.
Genomic context (GRCh38, chr5:132,587,908, plus strand): 5'-TTTATATTTGATACCTCAAAGTGATCATATTTTCTTATGTTTGTACATTAAAGCTTTTTA[T>G]TTTGGTGTTACACAGGTTTTTCAAGGGACTGATGAGCAACTAAATGACTTATATCACAAT-3'